The following is an entry in ClinVar:

ClinVar aggregate classification (germline): Uncertain significance. Review status: criteria provided, multiple submitters, no conflicts (2 of 4 stars). 5 submissions from 5 submitters: Uncertain significance (4). 1 of the submissions does not count toward it. Last evaluated 2024-10-29.

Conditions:
Inborn genetic diseases. Identifiers: MedGen C0950123, MeSH D030342.
Leukodystrophy, hypomyelinating, 7, with or without oligodontia and/or hypogonadotropic hypogonadism (HLD7). Also called: LEUKOENCEPHALOPATHY, HYPOMYELINATING, WITH ATAXIA AND DELAYED DENTITION; ATAXIA, DELAYED DENTITION, AND HYPOMYELINATION; LEUKODYSTROPHY, HYPOMYELINATING, 7, WITH OLIGODONTIA; LEUKODYSTROPHY, HYPOMYELINATING, 7, WITH OLIGODONTIA AND HYPOGONADOTROPIC HYPOGONADISM; LEUKODYSTROPHY, HYPOMYELINATING, 7, WITHOUT OLIGODONTIA OR HYPOGONADOTROPIC HYPOGONADISM; Ataxia, Delayed Dentition and Hypomyelination (ADDH). Identifiers: Orphanet 137639, Orphanet 447893, Orphanet 447896, Orphanet 77295, Orphanet 88637, MedGen CN034185, MONDO:0011897, OMIM 607694.

Allele frequency attached by ClinVar (database versions not stated): gnomAD 0.00006 and 0.00007; TOPMed 0.00008; gnomAD exomes 0.00011; ExAC 0.00015; 1000 Genomes Project 30x 0.00031; 1000 Genomes Project 0.00040.
gnomAD v4.1: 53 of 1,612,770 alleles (0.0033%); highest among the groups gnomAD compares: Middle Eastern, 0.05%; no homozygotes.

Submissions (5):

Labcorp Genetics (formerly Invitae), Labcorp
Classification: Uncertain significance. Last evaluated: 2024-10-29. Review status: criteria provided, single submitter. Criteria: Invitae Variant Classification Sherloc (09022015). Collection method: clinical testing. Allele origin: germline.
Comment: This sequence change replaces valine, which is neutral and non-polar, with isoleucine, which is neutral and non-polar, at codon 1130 of the POLR3A protein (p.Val1130Ile). This variant is present in population databases (rs199581222, gnomAD 0.09%). This variant has not been reported in the literature in individuals affected with POLR3A-related conditions. ClinVar contains an entry for this variant (Variation ID: 816787). Invitae Evidence Modeling of protein sequence and biophysical properties (such as structural, functional, and spatial information, amino acid conservation, physicochemical variation, residue mobility, and thermodynamic stability) indicates that this missense variant is not expected to disrupt POLR3A protein function with a negative predictive value of 80%. In summary, the available evidence is currently insufficient to determine the role of this variant in disease. Therefore, it has been classified as a Variant of Uncertain Significance.

Blueprint Genetics
Classification: Uncertain significance. Last evaluated: 2023-09-20. Review status: criteria provided, single submitter. Criteria: ACMG Guidelines, 2015. Collection method: clinical testing. Allele origin: germline.

GeneDx
Classification: Uncertain significance. Last evaluated: 2023-06-07. Review status: criteria provided, single submitter. Criteria: GeneDx Variant Classification Process June 2021. Collection method: clinical testing. Allele origin: germline. Affected: yes.
Comment: Reported previously in the homozygous state in a patient with multiple joint contractures, delayed motor milestones, dysmorphic features, and cerebellar vermis hypoplasia who also had a homozygous variant in another gene thought to be likely related to the arthrogryposis; parents were found to be carriers but no clinical information was provided (Bayram et al., 2016); In silico analysis supports that this missense variant does not alter protein structure/function; This variant is associated with the following publications: (PMID: 26752647, 36385762)

Ambry Genetics
Classification: Uncertain significance for Inborn genetic diseases. Last evaluated: 2022-07-27. Review status: criteria provided, single submitter. Criteria: Ambry Variant Classification Scheme 2023. Collection method: clinical testing. Allele origin: germline.

Lupski Lab, Baylor-Hopkins CMG, Baylor College of Medicine
Classification: Uncertain significance for Leukodystrophy, hypomyelinating, 7, with or without oligodontia and/or hypogonadotropic hypogonadism. Review status: no assertion criteria provided. Collection method: research. Allele origin: inherited. Inheritance: Autosomal recessive inheritance. Affected: yes. Observed: 3 variant alleles, 2 heterozygotes, 1 homozygote. Not counted in ClinVar's aggregate classification.

Literature cited by the submitters: PubMed 26752647 (cited by Ambry Genetics and Lupski Lab, Baylor-Hopkins CMG, Baylor College of Medicine).

NM_007055.4(POLR3A):c.3388G>A (p.Val1130Ile)

Gene: POLR3A (RNA polymerase III subunit A; minus strand). Cytogenetic location: 10q22.3.
Variant type: single nucleotide variant.
Coding change: c.3388G>A on transcript NM_007055.4 (MANE Select); coding-DNA position 3388, G replaced by A.
Protein change: p.Val1130Ile; replaces valine 1130 with isoleucine.
Molecular consequence: missense variant.
Genome position (GRCh38, 1-based): chr10:77,983,961, C>T on the plus strand (G>A on the coding strand, the complement: POLR3A is on the minus strand). VCF-style: chr10-77983961-C-T. GRCh37 (hg19) VCF-style: chr10-79743719-C-T.
Other names: c.3388G>A (NM_007055.3); short protein forms V1130I.
Identifiers: ClinVar variation 816787 (VCV000816787.8), dbSNP rs199581222, ClinGen allele CA5570847.